The following is an entry in ClinVar:

ClinVar aggregate classification (germline): Conflicting classifications of pathogenicity. Review status: criteria provided, conflicting classifications (1 of 4 stars). 3 submissions from 3 submitters: Uncertain significance (1); Likely benign (2). Last evaluated 2026-05-27.

Conditions:
PNKD-related disorder. Also called: PNKD-related condition.
Paroxysmal nonkinesigenic dyskinesia. Also called: Paroxysmal non-kinesigenic dyskinesia. Identifiers: Orphanet 98810, MedGen C1869117, MONDO:0700088.
Paroxysmal nonkinesigenic dyskinesia 1 (PNKD1). Also called: PxMD-PNKD; MOUNT-REBACK SYNDROME; Familial Paroxysmal Nonkinesigenic Dyskinesia; PAROXYSMAL DYSTONIC CHOREOATHETOSIS; DYSTONIA 8; Nonkinesigenic choreoathetosis. Identifiers: Orphanet 98810, MedGen C4551506, MONDO:0700089, OMIM 118800, MONDO:0007326.

Allele frequency attached by ClinVar (database versions not stated): gnomAD 0.00004; ExAC 0.00007; TOPMed 0.00007; gnomAD exomes 0.00013; 1000 Genomes Project 0.00040; 1000 Genomes Project 30x 0.00047.
gnomAD v4.1: 44 of 1,613,174 alleles (0.0027%); highest among the groups gnomAD compares: East Asian, 0.076%; no homozygotes.

Submissions (3):

PreventionGenetics, part of Exact Sciences
Classification: Likely benign for PNKD-related condition. Last evaluated: 2026-05-27. Review status: criteria provided, single submitter. Criteria: ACMG Guidelines, 2015. Collection method: clinical testing. Allele origin: germline.
Comment: This variant is classified as likely benign based on ACMG/AMP sequence variant interpretation guidelines (Richards et al. 2015 PMID: 25741868, with internal and published modifications).

Labcorp Genetics (formerly Invitae), Labcorp
Classification: Likely benign for Paroxysmal nonkinesigenic dyskinesia. Last evaluated: 2025-04-15. Review status: criteria provided, single submitter. Criteria: Invitae Variant Classification Sherloc (09022015). Collection method: clinical testing. Allele origin: germline.

Revvity Omics, Revvity
Classification: Uncertain significance for Paroxysmal nonkinesigenic dyskinesia 1. Last evaluated: 2019-10-03. Review status: criteria provided, single submitter. Criteria: ACMG Guidelines, 2015. Collection method: clinical testing. Allele origin: germline.

NM_015488.5(PNKD):c.301C>T (p.Arg101Trp)

Genes: CATIP-AS2 (CATIP antisense RNA 2; minus strand), PNKD (PNKD metallo-beta-lactamase domain containing; plus strand). Cytogenetic location: 2q35.
Variant type: single nucleotide variant.
Coding change: c.301C>T on transcript NM_015488.5 (MANE Select); coding-DNA position 301, C replaced by T.
Protein change: p.Arg101Trp; replaces arginine 101 with tryptophan.
Molecular consequence: missense variant.
Genome position (GRCh38, 1-based): chr2:218,339,847, C>T. VCF-style: chr2-218339847-C-T. GRCh37 (hg19) VCF-style: chr2-219204570-C-T.
Other names: c.229C>T, p.Arg77Trp (NM_022572.5); short protein forms R101W, R77W.
Identifiers: ClinVar variation 468628 (VCV000468628.14), dbSNP rs533033409, ClinGen allele CA2103887.